The following is an entry in ClinVar:

ClinVar aggregate classification (germline): Uncertain significance. Review status: criteria provided, multiple submitters, no conflicts (2 of 4 stars). 2 submissions from 2 submitters: Uncertain significance (2). Last evaluated 2026-02-26.

gnomAD v4.1: 1 of 1,614,214 alleles (0.000062%); highest among the groups gnomAD compares: South Asian, 0.0011%; no homozygotes.

Submissions (2):

GeneDx
Classification: Uncertain significance. Last evaluated: 2026-02-26. Review status: criteria provided, single submitter. Criteria: GeneDx Variant Classification Process June 2021. Collection method: clinical testing. Allele origin: germline.
Comment: Not observed in large population cohorts (gnomAD); In silico analysis supports a deleterious effect on splicing; Has not been previously published as pathogenic or benign to our knowledge

Blueprint Genetics
Classification: Uncertain significance. Last evaluated: 2022-09-27. Review status: criteria provided, single submitter. Criteria: ACMG Guidelines, 2015. Collection method: clinical testing. Allele origin: germline.

NM_000702.4(ATP1A2):c.2115+5G>A

Gene: ATP1A2 (ATPase Na+/K+ transporting subunit alpha 2; plus strand). Cytogenetic location: 1q23.2.
Variant type: single nucleotide variant.
Coding change: c.2115+5G>A on transcript NM_000702.4 (MANE Select); 5 bases into the intron after coding-DNA position 2115, G replaced by A.
Molecular consequence: intron variant.
Genome position (GRCh38, 1-based): chr1:160,135,300, G>A. VCF-style: chr1-160135300-G-A. GRCh37 (hg19) VCF-style: chr1-160105090-G-A.
Identifiers: ClinVar variation 4888215 (VCV004888215.2).
Genomic context (GRCh38, chr1:160,135,300, plus strand): 5'-TTGCTCGAACGTCTCCCCAGCAGAAGCTCATCATTGTGGAGGGATGTCAGAGGCAGGTGA[G>A]CACAGCCACGGGAGGCAGATGACAGGCAGGGACCGGGGAGGCAGGGACAGGGCCAAGACA-3'